The following is an entry in ClinVar:

ClinVar aggregate classification (germline): Pathogenic (1 of 4 stars; one submission).

Conditions:
Amelocerebrohypohidrotic syndrome (KTZS). Also called: KOHLSCHUTTER SYNDROME; Kohlschutter's syndrome; EPILEPSY AND YELLOW TEETH; EPILEPSY, DEMENTIA, AND AMELOGENESIS IMPERFECTA. Identifiers: Orphanet 1946, MedGen C0406740, MONDO:0009185, OMIM 226750.

Submission:

Labcorp Genetics (formerly Invitae), Labcorp
Classification: Pathogenic for Amelocerebrohypohidrotic syndrome. Last evaluated: 2024-01-19. Review status: criteria provided, single submitter. Criteria: Invitae Variant Classification Sherloc (09022015). Collection method: clinical testing. Allele origin: unknown.
Comment: A gross deletion of the genomic region encompassing the full coding sequence of the ROGDI gene has been identified. Loss-of-function variants in ROGDI are known to be pathogenic (PMID: 22424600, 23086778). The boundaries of this event are unknown as they extend beyond the assayed region for this gene and therefore may encompass additional genes. This variant has not been reported in the literature in individuals affected with ROGDI-related conditions. For these reasons, this variant has been classified as Pathogenic.

Literature cited by the submitters: PubMed 22424600; PubMed 23086778.

NC_000016.10:g.(?_4797440)_(4802591_?)del

Gene: ROGDI (rogdi atypical leucine zipper; minus strand). Cytogenetic location: 16p13.3.
Variant type: Deletion.
Identifiers: ClinVar variation 3243368 (VCV003243368.1).